The following is an entry in ClinVar:

ClinVar aggregate classification (germline): Benign (1 of 4 stars; one submission).

Conditions:
Hereditary spastic paraplegia 33. Also called: SPASTIC PARAPLEGIA 33, AUTOSOMAL DOMINANT. Identifiers: MedGen C1853251, MONDO:0012448, OMIM 610244.

Allele frequency attached by ClinVar (database versions not stated): gnomAD 0.00107 and 0.00111; TOPMed 0.00115; 1000 Genomes Project 30x 0.00234; 1000 Genomes Project 0.00260; gnomAD exomes 0.01613.
gnomAD v4.1: 162 of 152,142 alleles (0.11%); highest among the groups gnomAD compares: African/African-American, 0.34%; no homozygotes.

Submission:

Illumina Laboratory Services, Illumina
Classification: Benign for Hereditary spastic paraplegia 33. Last evaluated: 2018-01-12. Review status: criteria provided, single submitter. Criteria: ICSL Variant Classification Criteria 13 December 2019. Collection method: clinical testing. Allele origin: germline.
Comment: This variant was observed in the ICSL laboratory as part of a predisposition screen in an ostensibly healthy population. It had not been previously curated by ICSL or reported in the Human Gene Mutation Database (HGMD: prior to June 1st, 2018), and was therefore a candidate for classification through an automated scoring system. Utilizing variant allele frequency, disease prevalence and penetrance estimates, and inheritance mode, an automated score was calculated to assess if this variant is too frequent to cause the disease. Based on the score and internal cut-off values, a variant classified as benign is not then subjected to further curation. The score for this variant resulted in a classification of benign for this disease.

NM_001385875.1(ZFYVE27):c.*983A>G

Gene: ZFYVE27 (zinc finger FYVE-type containing 27; plus strand). Cytogenetic location: 10q24.2.
Variant type: single nucleotide variant.
Coding change: c.*983A>G on transcript NM_001385875.1 (MANE Select); 983 bases downstream of the stop codon, A replaced by G.
Molecular consequence: 3 prime UTR variant. On other transcripts: non-coding transcript variant (17).
Genome position (GRCh38, 1-based): chr10:97,760,283, A>G. VCF-style: chr10-97760283-A-G. GRCh37 (hg19) VCF-style: chr10-99520040-A-G.
Other names: c.*983A>G (NM_001002261.4, NM_001002262.4, NM_001174119.2 and 39 more transcripts).
Identifiers: ClinVar variation 880129 (VCV000880129.4), dbSNP rs3750611, ClinGen allele CA212697860.